The following is an entry in ClinVar:

NM_144997.7(FLCN):c.1190T>C (p.Val397Ala)

Gene: FLCN (folliculin; minus strand). Cytogenetic location: 17p11.2.
Variant type: single nucleotide variant.
Coding change: c.1190T>C on transcript NM_144997.7 (MANE Select); coding-DNA position 1190, T replaced by C.
Protein change: p.Val397Ala; replaces valine 397 with alanine.
Molecular consequence: missense variant.
Genome position (GRCh38, 1-based): chr17:17,216,490, A>G on the plus strand (T>C on the coding strand, the complement: FLCN is on the minus strand). VCF-style: chr17-17216490-A-G. GRCh37 (hg19) VCF-style: chr17-17119804-A-G.
Other names: c.1244T>C, p.Val415Ala (NM_001353229.2); c.1190T>C, p.Val397Ala (NM_001353230.2, NM_001353231.2); short protein forms V397A, V415A.
Identifiers: ClinVar variation 3515676 (VCV003515676.1).
Genomic context (GRCh38, chr17:17,216,490, plus strand): 5'-AAGTTGCACCGATAGGCCTCCTCGTACTGGCTGCTGTATGGGATGATGCGGACGCAGCCC[A>G]CGGGAAGCATGGTCTGAGGAGGACAGCAGGACTCAGACCAAGGACACGAGGAAGCCCTCA-3'
Protein context (NP_659434.2, residues 387-407): AFEVLRTMLP[Val397Ala]GCVRIIPYSS

ClinVar aggregate classification (germline): Uncertain significance (1 of 4 stars; one submission).

Conditions:
Hereditary cancer-predisposing syndrome. Also called: Tumor predisposition; Neoplastic Syndromes, Hereditary; Hereditary Cancer Syndrome; Hereditary neoplastic syndrome. Identifiers: Orphanet 140162, MedGen C0027672, MeSH D009386, MONDO:0015356.

Submission:

Ambry Genetics
Classification: Uncertain significance for Hereditary cancer-predisposing syndrome. Last evaluated: 2024-11-26. Review status: criteria provided, single submitter. Criteria: Ambry Variant Classification Scheme 2023. Collection method: clinical testing. Allele origin: germline.
Comment: The p.V397A variant (also known as c.1190T>C), located in coding exon 8 of the FLCN gene, results from a T to C substitution at nucleotide position 1190. The valine at codon 397 is replaced by alanine, an amino acid with similar properties. This amino acid position is conserved. In addition, the in silico prediction for this alteration is inconclusive. Based on the available evidence, the clinical significance of this variant remains unclear.